The following is an entry in ClinVar:

ClinVar aggregate classification (germline): Likely pathogenic (1 of 4 stars; one submission).

Submission:

GeneDx
Classification: Likely pathogenic. Last evaluated: 2017-09-20. Review status: criteria provided, single submitter. Criteria: GeneDx Variant Classification (06012015). Collection method: clinical testing. Allele origin: germline. Affected: yes.
Comment: The Y4781H variant in the RYR2 gene has not been reported previously as a pathogenic variant, nor as a benign variant, to our knowledge. The Y4781H variant is not observed in large population cohorts (Lek et al., 2016). The Y4781H variant is a non-conservative amino acid substitution, which is likely to impact secondary protein structure as these residues differ in polarity, charge, size and/or other properties. This substitution occurs at a position that is conserved across species, and in silico analysis predicts this variant is probably damaging to the protein structure/function. We interpret Y4781H as a likely pathogenic variant.

NM_001035.3(RYR2):c.14341T>C (p.Tyr4781His)

Gene: RYR2 (ryanodine receptor 2; plus strand). Cytogenetic location: 1q43.
Variant type: single nucleotide variant.
Coding change: c.14341T>C on transcript NM_001035.3 (MANE Select); coding-DNA position 14341, T replaced by C.
Protein change: p.Tyr4781His; replaces tyrosine 4781 with histidine.
Molecular consequence: missense variant.
Genome position (GRCh38, 1-based): chr1:237,808,943, T>C. VCF-style: chr1-237808943-T-C. GRCh37 (hg19) VCF-style: chr1-237972243-T-C.
Other names: c.14341T>C, p.Tyr4781His (LRG_402t1); short protein forms Y4781H.
Identifiers: ClinVar variation 452065 (VCV000452065.2), dbSNP rs1553335836, ClinGen allele CA345424190.